The following is an entry in ClinVar:

ClinVar aggregate classification (germline): Uncertain significance. Review status: criteria provided, single submitter (1 of 4 stars). 2 submissions from 2 submitters: Uncertain significance (1). 1 of the submissions does not count toward it. Last evaluated 2025-06-22.

Conditions:
Epidermolysis bullosa dystrophica inversa, autosomal recessive. Identifiers: MedGen C2673612.

Allele frequency attached by ClinVar (database versions not stated): gnomAD exomes 0.00001 and 0.00002; TOPMed 0.00003.

Submissions (2):

Labcorp Genetics (formerly Invitae), Labcorp
Classification: Uncertain significance. Last evaluated: 2025-06-22. Review status: criteria provided, single submitter. Criteria: Invitae Variant Classification Sherloc (09022015). Collection method: clinical testing. Allele origin: germline.
Comment: This sequence change falls in intron 17 of the COL7A1 gene. It does not directly change the encoded amino acid sequence of the COL7A1 protein. It affects a nucleotide within the consensus splice site. This variant is present in population databases (no rsID available, gnomAD 0.02%). This variant has not been reported in the literature in individuals affected with COL7A1-related conditions. ClinVar contains an entry for this variant (Variation ID: 990212). Variants that disrupt the consensus splice site are a relatively common cause of aberrant splicing (PMID: 17576681, 9536098). Algorithms developed to predict the effect of sequence changes on RNA splicing suggest that this variant is not likely to affect RNA splicing. In summary, the available evidence is currently insufficient to determine the role of this variant in disease. Therefore, it has been classified as a Variant of Uncertain Significance.

Natera, Inc.
Classification: Uncertain significance for Autosomal recessive epidermolysis bullosa dystrophica inversa. Last evaluated: 2020-08-27. Review status: no assertion criteria provided. Collection method: clinical testing. Allele origin: germline. Not counted in ClinVar's aggregate classification.

Literature cited by the submitters: PubMed 17576681 (cited by Labcorp Genetics (formerly Invitae), Labcorp); PubMed 9536098 (cited by Labcorp Genetics (formerly Invitae), Labcorp).

NM_000094.4(COL7A1):c.2315-3C>T

Gene: COL7A1 (collagen type VII alpha 1 chain; minus strand). Cytogenetic location: 3p21.31.
Variant type: single nucleotide variant.
Coding change: c.2315-3C>T on transcript NM_000094.4 (MANE Select); 3 bases into the intron before coding-DNA position 2315, C replaced by T.
Molecular consequence: intron variant.
Genome position (GRCh38, 1-based): chr3:48,588,998, G>A on the plus strand (C>T on the coding strand, the complement: COL7A1 is on the minus strand). VCF-style: chr3-48588998-G-A. GRCh37 (hg19) VCF-style: chr3-48626431-G-A.
Identifiers: ClinVar variation 990212 (VCV000990212.3), dbSNP rs1042769826, ClinGen allele CA73988120.
Genomic context (GRCh38, chr3:48,588,998, plus strand): 5'-ACGTCGCTGGAAGCATTGAGGATCTGCAGCCTCGACACACGACCCACAGGCTCAGGGGCT[G>A]GGGACAGAGGCAAGGTAAGGGGTCCTGGTAGAGAACAGAGAGGCAGTGCAGGAATGGTTG-3'